The following is an entry in ClinVar:

ClinVar aggregate classification (germline): Uncertain significance (1 of 4 stars; one submission).

Conditions:
Intellectual developmental disorder, X-linked, syndromic 33. Also called: Intellectual disability, X-linked, syndromic 33; X-linked intellectual disability-global development delay-facial dysmorphism-sacral caudal remnant syndrome. Identifiers: Orphanet 480907, MedGen C4225418, MONDO:0010500, OMIM 300966.
X-linked dystonia-parkinsonism (DYT3). Also called: Lubag; TORSION DYSTONIA-PARKINSONISM, FILIPINO TYPE; DYT-TAF1. Identifiers: Orphanet 53351, MedGen C1839130, MONDO:0010747, OMIM 314250.

Submission:

Juno Genomics, Hangzhou Juno Genomics, Inc
Classification: Uncertain significance for X-linked dystonia-parkinsonism; Intellectual developmental disorder, X-linked, syndromic 33. Review status: criteria provided, single submitter. Criteria: ACMG Guidelines, 2015. Collection method: clinical testing. Allele origin: germline.
Comment: Absent from controls (or at extremely low frequency if recessive) in Genome Aggregation Database.;Multiple lines of computational evidence suggest no impact on gene or gene product.;Missense variant in a gene that has a low rate of benign missense variation.

NM_004606.5(TAF1):c.1319C>T (p.Ser440Phe)

Gene: TAF1 (TATA-box binding protein associated factor 1; plus strand). Cytogenetic location: Xq13.1.
Variant type: single nucleotide variant.
Coding change: c.1319C>T on transcript NM_004606.5 (MANE Select); coding-DNA position 1319, C replaced by T.
Protein change: p.Ser440Phe; replaces serine 440 with phenylalanine.
Molecular consequence: missense variant. On other transcripts: non-coding transcript variant (9).
Genome position (GRCh38, 1-based): chrX:71,378,990, C>T. VCF-style: chrX-71378990-C-T. GRCh37 (hg19) VCF-style: chrX-70598840-C-T.
Other names: c.1319C>T, p.Ser440Phe (NM_001286074.2, NM_001440852.1, NM_001440853.1); c.1256C>T, p.Ser419Phe (NM_001440854.1, NM_138923.4); short protein forms S419F, S440F.
Identifiers: ClinVar variation 5019896 (VCV005019896.2).
Genomic context (GRCh38, chrX:71,378,990, plus strand): 5'-AGGATGTCAAACACAAAGGGACAAAACCTCAGCGTGCAAGCCTGGCAGGCTGGCTTCCTT[C>T]TAGCATGACTAGGAATGCGATGGCTTACAATGTTCAGCAAGGTGTGCTTCTGTGCCAGCT-3'
Protein context (NP_004597.3, residues 430-450): QRASLAGWLP[Ser440Phe]SMTRNAMAYN